The following is an entry in ClinVar:

NM_003185.4(TAF4):c.3125C>T (p.Ser1042Leu)

Gene: TAF4 (TATA-box binding protein associated factor 4; minus strand). Cytogenetic location: 20q13.33.
Variant type: single nucleotide variant.
Coding change: c.3125C>T on transcript NM_003185.4 (MANE Select); coding-DNA position 3125, C replaced by T.
Protein change: p.Ser1042Leu; replaces serine 1042 with leucine.
Molecular consequence: missense variant.
Genome position (GRCh38, 1-based): chr20:61,976,301, G>A on the plus strand (C>T on the coding strand, the complement: TAF4 is on the minus strand). VCF-style: chr20-61976301-G-A. GRCh37 (hg19) VCF-style: chr20-60551357-G-A.
Other names: short protein forms S1042L.
Identifiers: ClinVar variation 3374813 (VCV003374813.1).

ClinVar aggregate classification (germline): Uncertain significance (1 of 4 stars; one submission).

gnomAD v4.1: 8 of 1,613,682 alleles (0.0005%); highest among the groups gnomAD compares: Non-Finnish European, 0.00059%; no homozygotes.

Submission:

Women's Health and Genetics/Laboratory Corporation of America, LabCorp
Classification: Uncertain significance. Last evaluated: 2024-09-13. Review status: criteria provided, single submitter. Criteria: LabCorp Variant Classification Summary - May 2015. Collection method: clinical testing. Allele origin: germline.
Comment: Variant summary: TAF4 c.3125C>T (p.Ser1042Leu) results in a non-conservative amino acid change located in the Transcription initiation factor TFIID component TAF4, C-terminal domain (IPR007900) of the encoded protein sequence. Three of five in-silico tools predict a damaging effect of the variant on protein function. The variant allele was found at a frequency of 4e-06 in 251114 control chromosomes. The available data on variant occurrences in the general population are insufficient to allow any conclusion about variant significance. To our knowledge, no occurrence of c.3125C>T in individuals affected with Intellectual Developmental Disorder, Autosomal Dominant 73 and no experimental evidence demonstrating its impact on protein function have been reported. No submitters have cited clinical-significance assessments for this variant to ClinVar. Based on the evidence outlined above, the variant was classified as uncertain significance.